The following is an entry in ClinVar:

ClinVar aggregate classification (germline): Likely benign (1 of 4 stars; one submission).

Conditions:
EP300-related disorder. Also called: EP300-related condition; EP300-related disorders.

Submission:

PreventionGenetics, part of Exact Sciences
Classification: Likely benign for EP300-related condition. Last evaluated: 2026-01-29. Review status: criteria provided, single submitter. Criteria: ACMG Guidelines, 2015. Collection method: clinical testing. Allele origin: germline.
Comment: This variant is classified as likely benign based on ACMG/AMP sequence variant interpretation guidelines (Richards et al. 2015 PMID: 25741868, with internal and published modifications).

NM_001429.4(EP300):c.5061+7_5061+8del

Gene: EP300 (EP300 lysine acetyltransferase; plus strand). Cytogenetic location: 22q13.2.
Variant type: Deletion.
Coding change: c.5061+7_5061+8del on transcript NM_001429.4 (MANE Select); bases 7 to 8 of the intron after coding-DNA position 5061, 2 bases deleted (AC; older notation c.5061+7_5061+8delAC).
Molecular consequence: intron variant.
Genome position (GRCh38, 1-based): chr22:41,176,535-41,176,536, AC deleted; deleting any 2 consecutive bases within chr22:41,176,534-41,176,536 gives the same sequence; the c. name uses the placement nearest the transcript's 3' end. VCF-style (leftmost placement, unchanged base first): chr22-41176533-GCA-G. GRCh37 (hg19) VCF-style: chr22-41572537-GCA-G.
Other names: c.4983+7_4983+8del (NM_001362843.2).
Identifiers: ClinVar variation 4993020 (VCV004993020.1).